The following is an entry in ClinVar:

ClinVar aggregate classification (germline): Pathogenic. Review status: reviewed by expert panel (3 of 4 stars). 16 submissions from 16 submitters: Pathogenic (1). 15 of the submissions do not count toward it. Last evaluated 2016-12-15.

Conditions:
MYH7-related disorder. Also called: MYH7-related condition; MYH7-related disease; MYH7-related disorders.
Cardiomyopathy (CMYO). Also called: Cardiomyopathies. Identifiers: Orphanet 167848, MedGen C0878544, MONDO:0004994, HP:0001638. Inheritance: Various modes of inheritance.
Hypertrophic cardiomyopathy 1 (CMH1). Also called: MYH7-Related Familial Hypertrophic Cardiomyopathy; Familial hypertrophic cardiomyopathy 1. Identifiers: MedGen C3495498, MONDO:0008647, OMIM 192600.
Hypertrophic cardiomyopathy. Also called: HYPERTROPHIC MYOCARDIOPATHY. Identifiers: Orphanet 217569, MedGen C0007194, MeSH D002312, MONDO:0005045, HP:0001639.

Submissions 1 to 8 of 16:

ClinGen Cardiomyopathy Variant Curation Expert Panel
Classification: Pathogenic for Hypertrophic cardiomyopathy. Last evaluated: 2016-12-15. Review status: reviewed by expert panel. Criteria: ClinGen CMP ACMG Specifications v1. Collection method: curation. Allele origin: germline. Inheritance: Autosomal dominant inheritance.
Comment: The c.2146G>A (p.Gly716Arg) variant in MYH7 has been reported in >30 individuals with hypertrophic cardiomyopathy (PS4; PMID:23074333; PMID:20641121; PMID:12084606; PMID:8282798; PMID:18953637; PMID:12707239; PMID:15358028; PMID:12975413; Partners LMM ClinVar SCV000059418.5; SHaRe consortium, PMID: 30297972). This variant has been identified as a de novo occurrence in 2 probands with hypertrophic cardiomyopathy (PM6; PMID:18953637; Partners LMM ClinVar SCV000059418.5). This variant segregated with disease in 11 affected individuals (PP1_Strong; PMID:8282798; PMID:20641121; Partners LMM ClinVar SCV000059418.5). This variant was absent from large population studies (PM2). This variant lies in the head region of the protein (aa 181-937) and missense variants in this region are statistically more likely to be disease-associated (PM1; PMID:27532257). Computational prediction tools and conservation analysis suggest that this variant may impact the protein (PP3). In summary, this variant meets criteria to be classified as pathogenic for hypertrophic cardiomyopathy in an autosomal dominant manner. MYH7-specific ACMG/AMP criteria applied (PMID:29300372): PS4; PP1_ Strong; PM1; PM2; PM6; PP3

Labcorp Genetics (formerly Invitae), Labcorp
Classification: Pathogenic for Hypertrophic cardiomyopathy. Last evaluated: 2026-01-27. Review status: criteria provided, single submitter. Criteria: Invitae Variant Classification Sherloc (09022015). Collection method: clinical testing. Allele origin: germline. Not counted in ClinVar's aggregate classification.
Comment: This sequence change replaces glycine, which is neutral and non-polar, with arginine, which is basic and polar, at codon 716 of the MYH7 protein (p.Gly716Arg). This variant is not present in population databases (gnomAD no frequency). This missense change has been observed in individual(s) with hypertrophic cardiomyopathy (HCM) (PMID: 8282798, 9874056, 12084606, 12707239, 12975413, 18953637, 20031618, 20624503, 23283745, 24093860, 25935763, 27161882). In at least one individual the variant was observed to be de novo. It has also been observed to segregate with disease in related individuals. ClinVar contains an entry for this variant (Variation ID: 14105). Invitae Evidence Modeling of protein sequence and biophysical properties (such as structural, functional, and spatial information, amino acid conservation, physicochemical variation, residue mobility, and thermodynamic stability) indicates that this missense variant is expected to disrupt MYH7 protein function with a positive predictive value of 95%. Experimental studies have shown that this missense change affects MYH7 function (PMID: 9062359). For these reasons, this variant has been classified as Pathogenic.

3billion
Classification: Pathogenic for Hypertrophic cardiomyopathy 1. Last evaluated: 2025-07-25. Review status: criteria provided, single submitter. Criteria: ACMG Guidelines, 2015. Collection method: clinical testing. Allele origin: germline. Affected: yes. Not counted in ClinVar's aggregate classification.
Comment: The variant is not observed in the gnomAD v4.1.0 dataset. Predicted Consequence/Location: The variant is located in a mutational hot spot and/or well-established functional domain in which established pathogenic variants have been reported (PMID: 29300372). In silico tool predictions suggest damaging effect of the variant on gene or gene product [REVEL: 0.85 (>=0.6, sensitivity 0.68 and specificity 0.92)]. The same nucleotide change resulting in the same amino acid change has been previously reported as pathogenic/likely pathogenic with strong evidence (ClinVar ID: VCV000014105 /PMID: 8282798 /3billion dataset). The variant has been observed in multiple (>3) similarly affected unrelated individuals (PMID: 12084606, 12707239, 12975413, 15358028, 18953637, 20641121, 23074333, 30297972, 8282798). The variant has been previously reported as assumed (i.e. paternity and maternity not confirmed) de novo in at least one similarly affected unrelated individual (PMID: 18953637). The variant has been reported to co-segregate with the disease in at least 7 similarly affected relatives/individuals in at least two unrelated families (PMID: 20641121, 8282798). Different missense changes at the same codon (p.Gly716Ala, p.Gly716Glu, p.Gly716Trp) have been reported as pathogenic/likely pathogenic with strong evidence (ClinVar ID: VCV000454350, VCV001507204 /PMID: 23233322). Therefore, this variant is classified as Pathogenic according to the recommendation of ACMG/AMP guideline.

Revvity Omics, Revvity
Classification: Pathogenic. Last evaluated: 2025-06-19. Review status: criteria provided, single submitter. Criteria: ACMG Guidelines, 2015. Collection method: clinical testing. Allele origin: germline. Not counted in ClinVar's aggregate classification.

GeneDx
Classification: Pathogenic. Last evaluated: 2025-02-06. Review status: criteria provided, single submitter. Criteria: GeneDx Variant Classification Process June 2021. Collection method: clinical testing. Allele origin: germline. Affected: yes. Not counted in ClinVar's aggregate classification.
Comment: Published functional studies demonstrate a damaging effect as the p.(G716R) variant exhibited weak affinity with actin and generated a low level of force (PMID: 9062359); In silico analysis supports that this missense variant has a deleterious effect on protein structure/function; Not observed at significant frequency in large population cohorts (gnomAD); This variant is associated with the following publications: (PMID: 24033266, 15358028, 8282798, 34542152, 25935763, 24093860, 12084606, 12975413, 27161882, 28166811, 27532257, 27247418, 21310275, 18953637, 12707239, 20641121, 29300372, 30165862, 29907873, 29696744, 23074333, 20624503, 23283745, 20031618, 31912959, 32894683, 36252119, 37652022, 36243179, 35626289, 28193612, 36166435, 9062359, 37466024, 9874056, 38999502)

Blueprint Genetics
Classification: Pathogenic for MYH7-related disorders. Last evaluated: 2024-06-12. Review status: criteria provided, single submitter. Criteria: ACMG Guidelines, 2015. Collection method: clinical testing. Allele origin: germline. Affected: yes. Observed: 4 variant alleles. Not counted in ClinVar's aggregate classification.

Institute of Medical Genetics and Applied Genomics, University Hospital Tübingen
Classification: Pathogenic. Last evaluated: 2021-06-17. Review status: criteria provided, single submitter. Criteria: ACMG Guidelines, 2015. Collection method: clinical testing. Allele origin: germline. Inheritance: Autosomal dominant inheritance. Affected: yes. Not counted in ClinVar's aggregate classification.

Victorian Clinical Genetics Services, Murdoch Childrens Research Institute
Classification: Pathogenic for Hypertrophic cardiomyopathy 1. Last evaluated: 2021-05-06. Review status: criteria provided, single submitter. Criteria: ACMG Guidelines, 2015. Collection method: clinical testing. Allele origin: germline. Affected: yes. Not counted in ClinVar's aggregate classification.
Comment: Based on the classification scheme VCGS_Germline_v1.3.4, this variant is classified as Pathogenic. Following criteria are met: 0105 - The mechanism of disease for this gene is not clearly established, however, missense variants have been proposed to act in a dominant negative manner (PMID: 24714796). (I) 0108 - This gene is associated with both recessive and dominant disease. Pathogenic variants in this gene are usually heterozygous, however a recessive inheritance pattern has been observed in severe cases (OMIM). (I) 0112 - The condition associated with this gene has incomplete penetrance ((PMID: 29300372). (I) 0200 - Variant is predicted to result in a missense amino acid change from glycine to arginine. (I) 0251 - This variant is heterozygous. (I) 0301 - Variant is absent from gnomAD (both v2 and v3). (SP) 0502 - Missense variant with conflicting in silico predictions and uninformative conservation. (I) 0602 - Variant is located in a hotspot region or cluster of pathogenic variants. This variant is located in the myosin head motor domain which has very little benign variation (Decipher, PMID: 29300372). (SP) 0708 - Other missense variants comparable to the one identified in this case have conflicting previous evidence for pathogenicity. The p.(Gly716Glu) variant has been classified as a VUS by clinical diagnostic laboratories while the p.(Gly716Ala) variant has been identified in an Egyptian study of HCM and classified as likely pathogenic (ClinVar, PMID: 23233322). (I) 0801 - This variant has strong previous evidence of pathogenicity in unrelated individuals. It has been reported as Pathogenic by the Clingen expert panel (ClinVar). (SP) 0901 - This variant has strong evidence for segregation with disease. This variant has been demonstrated to segregate in seven individuals across two families (PMIDs: 20641121, 8282798, 29300372). (SP) 1002 - This variant has moderate functional evidence supporting abnormal protein function. Mutant D. discoideum cells carrying the D. discoideum equivalent of p.(Gly716Arg) demonstrated increased actin-activated ATPase activity, weak affinity with actin, reduced force and sliding velocity of actin filaments compared to WT cells (PMID: 9062359). (SP) 1208 - Inheritance information for this variant is not currently available in this individual. (I) Legend: (SP) - Supporting pathogenic, (I) - Information, (SB) - Supporting benign

NM_000257.4(MYH7):c.2146G>A (p.Gly716Arg)

Gene: MYH7 (myosin heavy chain 7; minus strand). Cytogenetic location: 14q11.2.
Variant type: single nucleotide variant.
Coding change: c.2146G>A on transcript NM_000257.4 (MANE Select); coding-DNA position 2146, G replaced by A.
Protein change: p.Gly716Arg; replaces glycine 716 with arginine.
Molecular consequence: missense variant.
Genome position (GRCh38, 1-based): chr14:23,425,980, C>T on the plus strand (G>A on the coding strand, the complement: MYH7 is on the minus strand). VCF-style: chr14-23425980-C-T. GRCh37 (hg19) VCF-style: chr14-23895189-C-T.
Other names: p.G716R:GGG>AGG; NM_000257.3(MYH7):c.2146G>A; short protein forms G716R.
Identifiers: ClinVar variation 14105 (VCV000014105.33), dbSNP rs121913638, ClinGen allele CA011770.